The following is an entry in ClinVar:

NM_001211.6(BUB1B):c.674G>A (p.Ser225Asn)

Gene: BUB1B (BUB1 mitotic checkpoint serine/threonine kinase B; plus strand). Cytogenetic location: 15q15.1.
Variant type: single nucleotide variant.
Coding change: c.674G>A on transcript NM_001211.6 (MANE Select); coding-DNA position 674, G replaced by A.
Protein change: p.Ser225Asn; replaces serine 225 with asparagine.
Molecular consequence: missense variant.
Genome position (GRCh38, 1-based): chr15:40,183,806, G>A. VCF-style: chr15-40183806-G-A. GRCh37 (hg19) VCF-style: chr15-40476007-G-A.
Other names: short protein forms S225N.
Identifiers: ClinVar variation 4842710 (VCV004842710.1).

ClinVar aggregate classification (germline): Uncertain significance (1 of 4 stars; one submission).

Conditions:
Inborn genetic diseases. Identifiers: MedGen C0950123, MeSH D030342.

Submission:

Ambry Genetics
Classification: Uncertain significance for Inborn genetic diseases. Last evaluated: 2026-01-06. Review status: criteria provided, single submitter. Criteria: Ambry Variant Classification Scheme 2023. Collection method: clinical testing. Allele origin: germline.
Comment: The p.S225N variant (also known as c.674G>A), located in coding exon 6 of the BUB1B gene, results from a G to A substitution at nucleotide position 674. The serine at codon 225 is replaced by asparagine, an amino acid with highly similar properties. This amino acid position is conserved. In addition, this alteration is predicted to be tolerated by in silico analysis. Based on the available evidence, the clinical significance of this variant remains unclear.